The following is an entry in ClinVar:

NM_000552.5(VWF):c.202C>T (p.Arg68Cys)

Gene: VWF (von Willebrand factor; minus strand). Cytogenetic location: 12p13.31.
Variant type: single nucleotide variant.
Coding change: c.202C>T on transcript NM_000552.5 (MANE Select); coding-DNA position 202, C replaced by T.
Protein change: p.Arg68Cys; replaces arginine 68 with cysteine.
Molecular consequence: missense variant.
Genome position (GRCh38, 1-based): chr12:6,121,192, G>A on the plus strand (C>T on the coding strand, the complement: VWF is on the minus strand). VCF-style: chr12-6121192-G-A. GRCh37 (hg19) VCF-style: chr12-6230358-G-A.
Other names: c.202C>T (NM_000552.3); short protein forms R68C.
Identifiers: ClinVar variation 3063970 (VCV003063970.2), dbSNP rs757353387, ClinGen allele CA6403874.
Genomic context (GRCh38, chr12:6,121,192, plus strand): 5'-AGCCCTCCCTCTGAAGTCCTCCCTGCAGTGCCCAGAACTCACCAATAATCGAGAAGGAGC[G>A]TTTCTGGCAGCCCCCTGCCAGGAGGTAACTGCAGTATCCCGCAAAGCTGTACATGCTCCC-3'
Protein context (NP_000543.3, residues 58-78): SYLLAGGCQK[Arg68Cys]SFSIIGDFQN

ClinVar aggregate classification (germline): Uncertain significance. Review status: criteria provided, multiple submitters, no conflicts (2 of 4 stars). 2 submissions from 2 submitters: Uncertain significance (2). Last evaluated 2024-02-28.

Allele frequency attached by ClinVar (database versions not stated): ExAC 0.00002; gnomAD 0.00002; gnomAD exomes 0.00002; TOPMed 0.00002.

Submissions (2):

GeneDx
Classification: Uncertain significance. Last evaluated: 2024-02-28. Review status: criteria provided, single submitter. Criteria: GeneDx Variant Classification Process June 2021. Collection method: clinical testing. Allele origin: germline. Affected: yes.
Comment: In silico analysis supports that this missense variant does not alter protein structure/function; Has not been previously published as pathogenic or benign to our knowledge

Women's Health and Genetics/Laboratory Corporation of America, LabCorp
Classification: Uncertain significance. Last evaluated: 2024-01-18. Review status: criteria provided, single submitter. Criteria: LabCorp Variant Classification Summary - May 2015. Collection method: clinical testing. Allele origin: germline.
Comment: Variant summary: VWF c.202C>T (p.Arg68Cys) results in a non-conservative amino acid change in the encoded protein sequence. Four of five in-silico tools predict a damaging effect of the variant on protein function. The variant allele was found at a frequency of 2.4e-05 in 251400 control chromosomes (gnomAD). The available data on variant occurrences in the general population are insufficient to allow any conclusion about variant significance. To our knowledge, no occurrence of c.202C>T in individuals affected with Von Willebrand Disease and no experimental evidence demonstrating its impact on protein function have been reported. No submitters have cited clinical-significance assessments for this variant to ClinVar. Based on the evidence outlined above, the variant was classified as uncertain significance.